The following is an entry in ClinVar:

ClinVar aggregate classification (germline): Pathogenic (1 of 4 stars; one submission).

Submission:

Labcorp Genetics (formerly Invitae), Labcorp
Classification: Pathogenic. Last evaluated: 2020-06-01. Review status: criteria provided, single submitter. Criteria: Invitae Variant Classification Sherloc (09022015). Collection method: clinical testing. Allele origin: germline.
Comment: For these reasons, this variant has been classified as Pathogenic. Loss-of-function variants in VPS13A are known to be pathogenic (PMID: 12404112, 21598378). This variant has not been reported in the literature in individuals with VPS13A-related conditions. This variant is not present in population databases (ExAC no frequency). This sequence change creates a premature translational stop signal (p.Glu1677Argfs*25) in the VPS13A gene. It is expected to result in an absent or disrupted protein product.

Literature cited by the submitters: PubMed 12404112; PubMed 21598378.

NM_033305.3(VPS13A):c.5024dup (p.Glu1677fs)

Gene: VPS13A (vacuolar protein sorting 13 homolog A; plus strand). Cytogenetic location: 9q21.2.
Variant type: Duplication.
Coding change: c.5024dup on transcript NM_033305.3 (MANE Select); coding-DNA position 5024, one base duplicated (T; older notation c.5024dupT).
Protein change: p.Glu1677fs; shifts the reading frame from glutamic acid 1677.
Molecular consequence: frameshift variant.
Genome position (GRCh38, 1-based): chr9:77,318,302, T duplicated. VCF-style (leftmost placement, unchanged base first): chr9-77318301-A-AT. GRCh37 (hg19) VCF-style: chr9-79933217-A-AT.
Other names: c.4907dup, p.Glu1638fs (NM_001018037.2); c.5024dup, p.Glu1677fs (NM_001018038.3, NM_015186.4); short protein forms E1638fs, E1677fs.
Identifiers: ClinVar variation 1070545 (VCV001070545.7), dbSNP rs2131439491, ClinGen allele CA2499219965.